The following is an entry in ClinVar:

NM_001281740.3(FHOD3):c.1471C>G (p.Pro491Ala)

Gene: FHOD3 (formin homology 2 domain containing 3; plus strand). Cytogenetic location: 18q12.2.
Variant type: single nucleotide variant.
Coding change: c.1471C>G on transcript NM_001281740.3 (MANE Select); coding-DNA position 1471, C replaced by G.
Protein change: p.Pro491Ala; replaces proline 491 with alanine.
Molecular consequence: missense variant. On other transcripts: intron variant (2).
Genome position (GRCh38, 1-based): chr18:36,652,754, C>G. VCF-style: chr18-36652754-C-G. GRCh37 (hg19) VCF-style: chr18-34232717-C-G.
Other names: c.1197-5321C>G (NM_025135.5, NM_001281739.3); short protein forms P491A.
Identifiers: ClinVar variation 4994928 (VCV004994928.1).
Genomic context (GRCh38, chr18:36,652,754, plus strand): 5'-GGGACCACCTGGCACAGTGGGTCCTCTGGGTCTGAGGCCACCCCATCTGCCCTCCTGTCA[C>G]CCCCTGCCTCAGCTGCTCGGCCCTCCTCCGCCACACCAGGCTCCCTGAAGGTGTCACCGA-3'
Protein context (NP_001268669.1, residues 481-501): SEATPSALLS[Pro491Ala]PASAARPSSA

ClinVar aggregate classification (germline): Uncertain significance (1 of 4 stars; one submission).

Conditions:
FHOD3-related disorder. Also called: FHOD3-related condition.

gnomAD v4.1: 2 of 1,535,962 alleles (0.00013%); highest among the groups gnomAD compares: Non-Finnish European, 0.000087%; no homozygotes.

Submission:

PreventionGenetics, part of Exact Sciences
Classification: Uncertain significance for FHOD3-related condition. Last evaluated: 2026-08-30. Review status: criteria provided, single submitter. Criteria: ACMG Guidelines, 2015. Collection method: clinical testing. Allele origin: germline.
Comment: The FHOD3 c.1471C>G variant is predicted to result in the amino acid substitution p.Pro491Ala. To our knowledge, this variant has not been reported in the literature or in a large population database (gnomAD), indicating this variant is rare. At this time, the clinical significance of this variant is uncertain due to the absence of conclusive functional and genetic evidence.